The following is an entry in ClinVar:

ClinVar aggregate classification (germline): Uncertain significance (1 of 4 stars; one submission).

Submission:

Dasa
Classification: Uncertain significance. Last evaluated: 2026-07-17. Review status: criteria provided, single submitter. Criteria: DASA Assertion Criteria. Collection method: clinical testing. Allele origin: germline.
Comment: NM_016953.4(PDE11A):c.659G>T (p.Ser220Ile) is a missense variant that results in the substitution of serine with isoleucine. This variant is rare in population databases. The currently available literature and clinical evidence are not sufficient to establish a definitive association between this variant and the reported condition. Therefore, this variant is classified as a variant of uncertain significance.

NM_016953.4(PDE11A):c.659G>T (p.Ser220Ile)

Gene: PDE11A (phosphodiesterase 11A; minus strand). Cytogenetic location: 2q31.2.
Variant type: single nucleotide variant.
Coding change: c.659G>T on transcript NM_016953.4 (MANE Select); coding-DNA position 659, G replaced by T.
Protein change: p.Ser220Ile; replaces serine 220 with isoleucine.
Molecular consequence: missense variant. On other transcripts: intron variant (1).
Genome position (GRCh38, 1-based): chr2:178,071,779, C>A on the plus strand (G>T on the coding strand, the complement: PDE11A is on the minus strand). VCF-style: chr2-178071779-C-A. GRCh37 (hg19) VCF-style: chr2-178936506-C-A.
Other names: c.162+32523G>T (NM_001077197.2); short protein forms S220I.
Identifiers: ClinVar variation 5020183 (VCV005020183.1).